The following is an entry in ClinVar:

NM_032545.4(CFC1):c.195dup (p.Glu66fs)

Gene: CFC1 (cryptic, EGF-CFC family member 1; minus strand). Cytogenetic location: 2q21.1.
Variant type: Duplication.
Coding change: c.195dup on transcript NM_032545.4 (MANE Select); coding-DNA position 195, one base duplicated (C; older notation c.195dupC).
Protein change: p.Glu66fs; shifts the reading frame from glutamic acid 66.
Molecular consequence: frameshift variant.
Genome position (GRCh38, 1-based): chr2:130,598,694, G duplicated on the plus strand (C on the coding strand, the reverse complement: CFC1 is on the minus strand); the first of 2 consecutive G bases (chr2:130,598,694-130,598,695); duplicating either gives the same sequence. VCF-style (leftmost placement, unchanged base first): chr2-130598693-C-CG. GRCh37 (hg19) VCF-style: chr2-131356266-C-CG.
Other names: c.195dup, p.Glu66fs (NM_001270420.2, NM_001270421.2); short protein forms E66fs.
Identifiers: ClinVar variation 4294348 (VCV004294348.1).

ClinVar aggregate classification (germline): Likely pathogenic (1 of 4 stars; one submission).

Conditions:
Heterotaxy, visceral, 2, autosomal (HTX2). Identifiers: Orphanet 450, MedGen C1415817, MONDO:0011546, OMIM 605376.

Submission:

Laboratorio de Biologia Molecular/Medicina Genomica - IFF/Fiocruz, Instituto Fernandes Figueira, Fundacao Oswaldo Cruz
Classification: Likely pathogenic for Heterotaxy, visceral, 2, autosomal. Last evaluated: 2025-07-11. Review status: criteria provided, single submitter. Criteria: ACMG Guidelines, 2015. Collection method: clinical testing. Allele origin: germline. Affected: yes. Observed: 1 variant allele.
Comment: Variant: c.195dup (p.Glu66ArgfsTer52) in exon 3 of the CFC1 gene. Protein effect: Frameshift variant predicted to result in nonsense-mediated mRNA decay (NMD) in a gene where loss of function is a known disease mechanism. Population data: Not observed in population databases (gnomAD, aBraOM) and not previously reported in the literature. ACMG/AMP criteria applied: PVS1, PM2_Supporting, following ClinGen SVI recommendations.